The following is an entry in ClinVar:

ClinVar aggregate classification (germline): Likely benign (1 of 4 stars; one submission).

Conditions:
Hereditary breast ovarian cancer syndrome. Also called: Hereditary breast and ovarian cancer; Hereditary breast and ovarian cancer syndrome (HBOC); Breast and ovarian cancer; Hereditary breast and/or ovarian cancer syndrome; BRCA1- and BRCA2-Associated Hereditary Breast and Ovarian Cancer; Hereditary breast and ovarian cancer syndrome. Identifiers: Orphanet 145, MedGen C0677776, MeSH D061325, MONDO:0003582. Disease mechanism: loss of function.

Submissions (2):

Labcorp Genetics (formerly Invitae), Labcorp
Classification: Likely benign for Hereditary breast ovarian cancer syndrome. Last evaluated: 2019-11-18. Review status: criteria provided, single submitter. Criteria: Invitae Variant Classification Sherloc (09022015). Collection method: clinical testing. Allele origin: germline.

Brotman Baty Institute, University of Washington
No classification provided (evidence only). Condition: Breast-ovarian cancer, familial 1. Review status: no classification provided. Collection method: in vitro. Allele origin: not applicable. Functional consequence: functionally_normal. Not counted in ClinVar's aggregate classification.
ClinVar note: "not provided" was previously submitted as the classification for the variant. However, the classification appeared to be based only on an observation of functional data so it was converted to no classification on 2025-07-30.

NM_007294.4(BRCA1):c.5468-9T>C

Gene: BRCA1 (BRCA1 DNA repair associated; minus strand). Cytogenetic location: 17q21.31.
Variant type: single nucleotide variant.
Coding change: c.5468-9T>C on transcript NM_007294.4 (MANE Select); 9 bases into the intron before coding-DNA position 5468, T replaced by C.
Molecular consequence: intron variant.
Genome position (GRCh38, 1-based): chr17:43,045,811, A>G on the plus strand (T>C on the coding strand, the complement: BRCA1 is on the minus strand). VCF-style: chr17-43045811-A-G. GRCh37 (hg19) VCF-style: chr17-41197828-A-G.
Other names: c.2156-9T>C (NM_001407981.1, NM_007298.4, NM_001407986.1 and 10 more transcripts); c.2159-9T>C (NM_001407978.1, NM_001407977.1, NM_001407976.1 and 3 more transcripts); c.5462-9T>C (NM_001407639.1, NM_001407630.1, NM_001407633.1 and 13 more transcripts); c.5391-9T>C (NM_001407859.1, NM_001407860.1, NM_001407858.1); c.5465-9T>C (NM_001407620.1, NM_001407623.1, NM_001407615.1 and 14 more transcripts); c.5468-9T>C (NM_001407597.1, NM_001407605.1, NM_001407594.1 and 5 more transcripts); c.5534-9T>C (NM_001407582.1, NM_001407581.1); c.5252-9T>C (NM_001407917.1, NM_001407918.1, NM_001407915.1 and 1 more transcripts); and 83 more.
Identifiers: ClinVar variation 867561 (VCV000867561.12), dbSNP rs2050891633, ClinGen allele CA916080718.